The following is an entry in ClinVar:

ClinVar aggregate classification (germline): Uncertain significance. Review status: criteria provided, multiple submitters, no conflicts (2 of 4 stars). 2 submissions from 2 submitters: Uncertain significance (2). Last evaluated 2025-06-23.

Conditions:
Hereditary cancer-predisposing syndrome. Also called: Hereditary neoplastic syndrome; Tumor predisposition; Hereditary Cancer Syndrome; Neoplastic Syndromes, Hereditary. Identifiers: Orphanet 140162, MedGen C0027672, MeSH D009386, MONDO:0015356.

Submissions (2):

Ambry Genetics
Classification: Uncertain significance for Hereditary cancer-predisposing syndrome. Last evaluated: 2025-06-23. Review status: criteria provided, single submitter. Criteria: Ambry Variant Classification Scheme 2023. Collection method: clinical testing. Allele origin: germline.
Comment: The c.849_866dup18 variant (also known as p.S284_S289dup), located in coding exon 7 of the SMARCB1 gene, results from an in-frame duplication of 18 nucleotides at nucleotide positions 849 to 866. This results in the duplication of 6 extra residues (SEKENS) between codons 284 and 289. These amino acid positions are highly conserved in available vertebrate species. In addition, this alteration is predicted to be deleterious by in silico analysis (Choi Y et al. PLoS ONE. 2012; 7(10):e46688). Based on the available evidence, the clinical significance of this variant remains unclear.

Labcorp Genetics (formerly Invitae), Labcorp
Classification: Uncertain significance. Last evaluated: 2023-07-22. Review status: criteria provided, single submitter. Criteria: Invitae Variant Classification Sherloc (09022015). Collection method: clinical testing. Allele origin: germline.
Comment: In summary, the available evidence is currently insufficient to determine the role of this variant in disease. Therefore, it has been classified as a Variant of Uncertain Significance. This variant has not been reported in the literature in individuals affected with SMARCB1-related conditions. This variant is not present in population databases (gnomAD no frequency). This variant, c.849_866dup, results in the insertion of 6 amino acid(s) of the SMARCB1 protein (p.Ser284_Ser289dup), but otherwise preserves the integrity of the reading frame.

NM_003073.5(SMARCB1):c.849_866dup (p.Ser289_Pro290insSerGluLysGluAsnSer)

Gene: SMARCB1 (SWI/SNF related BAF chromatin remodeling complex subunit B1; plus strand). Cytogenetic location: 22q11.23.
Variant type: Duplication.
Coding change: c.849_866dup on transcript NM_003073.5 (MANE Select); coding-DNA positions 849 to 866, 18 bases duplicated (GTCAGAGAAGGAGAACTC).
Protein change: p.Ser289_Pro290insSerGluLysGluAsnSer.
Molecular consequence: inframe insertion. On other transcripts: inframe indel (1).
Genome position (GRCh38, 1-based): chr22:23,825,278-23,825,295, GTCAGAGAAGGAGAACTC duplicated. VCF-style (leftmost placement, unchanged base first): chr22-23825277-T-TGTCAGAGAAGGAGAACTC. GRCh37 (hg19) VCF-style: chr22-24167464-T-TGTCAGAGAAGGAGAACTC.
Other names: c.849_866dupGTCAGAGAAGGAGAACTC (NM_003073.3); c.822_839dup, p.Ser280_Pro281insSerGluLysGluAsnSer (NM_001007468.3); c.876_893dup, p.Ser298_Pro299insSerGluLysGluAsnSer (NM_001317946.2); c.903_920dup, p.Ser307_Pro308insSerGluLysGluAsnSer (NM_001362877.2).
Identifiers: ClinVar variation 2586911 (VCV002586911.6), dbSNP rs2517724479, ClinGen allele CA2582342732.